The following is an entry in ClinVar:

ClinVar aggregate classification (germline): Likely pathogenic (1 of 4 stars; one submission).

Conditions:
Peroxisome biogenesis disorder. Identifiers: Orphanet 79189, MedGen C1832200, MONDO:0019234. Disease mechanism: loss of function.

Submission:

Myriad Genetics, Inc.
Classification: Likely pathogenic for Peroxisome biogenesis disorder. Last evaluated: 2022-01-27. Review status: criteria provided, single submitter. Criteria: Myriad Autosomal Dominant, Autosomal Recessive and X-Linked Classification Criteria (2023). Collection method: clinical testing. Allele origin: unknown.
Comment: NM_153818.1(PEX10):c.135G>A(W45*) is expected to be pathogenic in the context of peroxisome biogenesis disorder type 6. This variant is predicted to lead to an abnormal or absent protein product due to the creation of a premature termination codon in PEX10, a gene where loss-of-function variants are known to be pathogenic. Please note: this variant was assessed in the context of healthy population screening.

NM_002617.4(PEX10):c.135G>A (p.Trp45Ter)

Gene: PEX10 (peroxisomal biogenesis factor 10; minus strand). Cytogenetic location: 1p36.32.
Variant type: single nucleotide variant.
Coding change: c.135G>A on transcript NM_002617.4 (MANE Select); coding-DNA position 135, G replaced by A.
Protein change: p.Trp45Ter; replaces tryptophan 45 with a stop codon.
Molecular consequence: nonsense. On other transcripts: 5 prime UTR variant (2), non-coding transcript variant (1).
Genome position (GRCh38, 1-based): chr1:2,410,429, C>T on the plus strand (G>A on the coding strand, the complement: PEX10 is on the minus strand). VCF-style: chr1-2410429-C-T. GRCh37 (hg19) VCF-style: chr1-2341868-C-T.
Other names: c.135G>A, p.Trp45Ter (NM_001374425.1, NM_153818.2); c.-298G>A (NM_001374426.1, NM_001374427.1); short protein forms W45*.
Identifiers: ClinVar variation 1724150 (VCV001724150.3), dbSNP rs2522292110, ClinGen allele CA337989459.